The following is an entry in ClinVar:

NM_001164665.2(KIAA1549):c.5228C>T (p.Thr1743Met)

Gene: KIAA1549 (KIAA1549; minus strand). Cytogenetic location: 7q34.
Variant type: single nucleotide variant.
Coding change: c.5228C>T on transcript NM_001164665.2 (MANE Select); coding-DNA position 5228, C replaced by T.
Protein change: p.Thr1743Met; replaces threonine 1743 with methionine.
Molecular consequence: missense variant.
Genome position (GRCh38, 1-based): chr7:138,861,158, G>A on the plus strand (C>T on the coding strand, the complement: KIAA1549 is on the minus strand). VCF-style: chr7-138861158-G-A. GRCh37 (hg19) VCF-style: chr7-138545904-G-A.
Other names: c.5228C>T, p.Thr1743Met (NM_020910.3); short protein forms T1743M.
Identifiers: ClinVar variation 711017 (VCV000711017.13), dbSNP rs201514543, ClinGen allele CA4505636.
Genomic context (GRCh38, chr7:138,861,158, plus strand): 5'-ACATCTTGCCCATCAGAGAATTCTAGAAGGCCAGTACTTACACTGCAGGGATTGTTGGCC[G>A]TCTGGGCTGGGCTGTAGAAGGACCCCCACTGGGTGGCTCGCCTCTCTTCCTGGGAAGGGG-3'
Protein context (NP_001158137.1, residues 1733-1753): QWGSFYSPAQ[Thr1743Met]ANNPCSRYED

ClinVar aggregate classification (germline): Likely benign. Review status: criteria provided, multiple submitters, no conflicts (2 of 4 stars). 3 submissions from 3 submitters: Likely benign (2). 1 of the submissions does not count toward it. Last evaluated 2026-01-05.

Conditions:
KIAA1549-related disorder. Also called: KIAA1549-related condition.

Allele frequency attached by ClinVar (database versions not stated): gnomAD 0.00103 and 0.00105; gnomAD exomes 0.00149 and 0.00081; 1000 Genomes Project 30x 0.00016; 1000 Genomes Project 0.00020; ExAC 0.00082; ESP Exome Variant Server 0.00091; TOPMed 0.00094.
gnomAD v4.1: 2,338 of 1,613,786 alleles (0.14%); highest among the groups gnomAD compares: Non-Finnish European, 0.18%; 3 homozygotes.

Submissions (3):

Labcorp Genetics (formerly Invitae), Labcorp
Classification: Likely benign. Last evaluated: 2026-01-05. Review status: criteria provided, single submitter. Criteria: Invitae Variant Classification Sherloc (09022015). Collection method: clinical testing. Allele origin: germline.

Blueprint Genetics
Classification: Likely benign. Last evaluated: 2024-11-13. Review status: criteria provided, single submitter. Criteria: ACMG Guidelines, 2015. Collection method: clinical testing. Allele origin: germline.

PreventionGenetics, part of Exact Sciences
Classification: Uncertain significance for KIAA1549-related condition. Last evaluated: 2024-07-24. Review status: no assertion criteria provided. Collection method: clinical testing. Allele origin: germline. Not counted in ClinVar's aggregate classification.
Comment: The KIAA1549 c.5228C>T variant is predicted to result in the amino acid substitution p.Thr1743Met. To our knowledge, this variant has not been reported in the literature. This variant is reported in 0.14% of alleles in individuals of Latino descent in gnomAD, which may be too common to be an unreported cause of disease. Although we suspect that this variant may be benign, at this time, the clinical significance of this variant is uncertain due to the absence of conclusive functional and genetic evidence.